The following is an entry in ClinVar:

NM_003235.5(TG):c.217G>A (p.Val73Met)

Gene: TG (thyroglobulin; plus strand). Cytogenetic location: 8q24.22.
Variant type: single nucleotide variant.
Coding change: c.217G>A on transcript NM_003235.5 (MANE Select); coding-DNA position 217, G replaced by A.
Protein change: p.Val73Met; replaces valine 73 with methionine.
Molecular consequence: missense variant.
Genome position (GRCh38, 1-based): chr8:132,869,769, G>A. VCF-style: chr8-132869769-G-A. GRCh37 (hg19) VCF-style: chr8-133882014-G-A.
Other names: short protein forms V73M.
Identifiers: ClinVar variation 377172 (VCV000377172.3), dbSNP rs780845778, ClinGen allele CA4882829.

ClinVar aggregate classification (germline): Uncertain significance (1 of 4 stars; one submission).

Allele frequency attached by ClinVar (database versions not stated): gnomAD 0.00001 and 0.00002; gnomAD exomes 0.00003 and 0.00004; TOPMed 0.00003; ExAC 0.00004.
gnomAD v4.1: 46 of 1,614,198 alleles (0.0028%); highest among the groups gnomAD compares: Middle Eastern, 0.033%; no homozygotes.

Submission:

Center for Pediatric Genomic Medicine, Children's Mercy Hospital and Clinics
Classification: Uncertain significance. Last evaluated: 2017-02-02. Review status: criteria provided, single submitter. Criteria: ACMG Guidelines, 2015. Collection method: clinical testing. Allele origin: germline.
ClinVar note: Converted during submission from Uncertain Significance to Uncertain significance.